The following is an entry in ClinVar:

NM_013314.4(BLNK):c.676+1G>A

Gene: BLNK (B cell linker; minus strand). Cytogenetic location: 10q24.1.
Variant type: single nucleotide variant.
Coding change: c.676+1G>A on transcript NM_013314.4 (MANE Select); the canonical splice donor site of the intron after coding-DNA position 676, G replaced by A.
Molecular consequence: splice donor variant. On other transcripts: intron variant (2).
Genome position (GRCh38, 1-based): chr10:96,215,320, C>T on the plus strand (G>A on the coding strand, the complement: BLNK is on the minus strand). VCF-style: chr10-96215320-C-T. GRCh37 (hg19) VCF-style: chr10-97975076-C-T.
Other names: c.361+1G>A (NM_001258442.2); c.607+1333G>A (NM_001258441.2, NM_001114094.2); c.676+1G>A (NM_001258440.2).
Identifiers: ClinVar variation 4845848 (VCV004845848.1).

ClinVar aggregate classification (germline): Pathogenic (1 of 4 stars; one submission).

Conditions:
Agammaglobulinemia 4, autosomal recessive (AGM4). Also called: AGAMMAGLOBULINEMIA, AUTOSOMAL RECESSIVE, DUE TO BLNK DEFECT; B cell linker protein deficiency. Identifiers: MedGen C3150752, MONDO:0013289, OMIM 613502.

gnomAD v4.1: 1 of 1,613,786 alleles (0.000062%); highest among the groups gnomAD compares: South Asian, 0.0011%; no homozygotes.

Submission:

First Genomix Gene Laboratory, Genetic Diagnostics Department
Classification: Pathogenic for Agammaglobulinemia 4, autosomal recessive. Last evaluated: 2025-03-28. Review status: criteria provided, single submitter. Criteria: ACMG Guidelines, 2015. Collection method: clinical testing. Allele origin: germline. Inheritance: Autosomal recessive inheritance. Affected: no. Observed: 1 variant allele.